The following is an entry in ClinVar:

ClinVar aggregate classification (germline): Likely pathogenic (1 of 4 stars; one submission).

Conditions:
Cutis laxa with osteodystrophy (ARCL2A). Also called: Debré-Type Cutis Laxa; CUTIS LAXA WITH CONGENITAL DISORDER OF GLYCOSYLATION; CUTIS LAXA, AUTOSOMAL RECESSIVE, TYPE IIA; CUTIS LAXA WITH BONE DYSTROPHY; CUTIS LAXA WITH GROWTH AND DEVELOPMENTAL DELAY; CUTIS LAXA WITH JOINT LAXITY AND RETARDED DEVELOPMENT. Identifiers: Orphanet 357058, MedGen C0268355, MONDO:0018163, OMIM 219200. Disease mechanism: loss of function.

Submission:

Broad Center for Mendelian Genomics, Broad Institute of MIT and Harvard
Classification: Likely pathogenic for Cutis laxa with osteodystrophy. Last evaluated: 2023-01-25. Review status: criteria provided, single submitter. Criteria: ACMG Guidelines, 2015. Collection method: curation. Allele origin: germline. Inheritance: Autosomal recessive inheritance.
Comment: The homozygous p.Gln7LeufsTer7 variant in ATP6V0A2 was identified by our study in two siblings with autosomal recessive cutis laxa type IIA. The p.Gln7LeufsTer7 variant in ATP6V0A2 has not been previously reported in individuals with autosomal recessive cutis laxa type IIA. This variant was absent from large population studies. This variant is predicted to cause a frameshift, which alters the protein‚Äôs amino acid sequence beginning at position 7 and leads to a premature termination codon 7 amino acids downstream. This alteration is then predicted to lead to a truncated or absent protein. Loss of function of the ATP6V0A2 gene is strongly associated to autosomal recessive cutis laxa type IIA. In summary, although additional studies are required to fully establish its clinical significance, this variant is likely pathogenic for autosomal recessive cutis laxa type IIA. ACMG/AMP Criteria applied: PVS1_Strong, PM2_Supporting, PM3 (Richards 2015).

NM_012463.4(ATP6V0A2):c.16_19del (p.Arg6fs)

Genes: ATP6V0A2 (ATPase H+ transporting V0 subunit a2; plus strand), LOC130009117 (ATAC-STARR-seq lymphoblastoid silent region 5049; plus strand). Cytogenetic location: 12q24.31.
Variant type: Deletion.
Coding change: c.16_19del on transcript NM_012463.4 (MANE Select); coding-DNA positions 16 to 19, 4 bases deleted (CGGA; older notation c.16_19delCGGA).
Protein change: p.Arg6fs; shifts the reading frame from arginine 6.
Molecular consequence: frameshift variant.
Genome position (GRCh38, 1-based): chr12:123,712,581-123,712,584, CGGA deleted. VCF-style (leftmost placement, unchanged base first): chr12-123712580-CCGGA-C. GRCh37 (hg19) VCF-style: chr12-124197127-CCGGA-C.
Other names: NM_012463.4:c.16_19del; short protein forms R6fs.
Identifiers: ClinVar variation 2412724 (VCV002412724.1), dbSNP rs2541822774, ClinGen allele CA2573332452.
Genomic context (GRCh38, chr12:123,712,580, plus strand): 5'-AGCCGCCGCCGCCCATCGAGCCCCTCCGGGCGCGGGTCGGCCCGCCATGGGGTCCCTGTT[CCGGA>C]GCGAGACCATGTGCCTGGCGCAGCTCTTCCTGCAGTCGGGCACGGCCTACGAGTGCCTCA-3'